The following is an entry in ClinVar:

NM_001098.3(ACO2):c.2183G>C (p.Gly728Ala)

Genes: ACO2 (aconitase 2; plus strand), POLR3H (RNA polymerase III subunit H; minus strand). Cytogenetic location: 22q13.2.
Variant type: single nucleotide variant.
Coding change: c.2183G>C on transcript NM_001098.3 (MANE Select); coding-DNA position 2183, G replaced by C.
Protein change: p.Gly728Ala; replaces glycine 728 with alanine.
Molecular consequence: missense variant. On other transcripts: 3 prime UTR variant (5).
Genome position (GRCh38, 1-based): chr22:41,527,997, G>C. VCF-style: chr22-41527997-G-C. GRCh37 (hg19) VCF-style: chr22-41924001-G-C.
Other names: c.*1286C>G (NM_001018050.4, NM_001018052.4, NM_001282884.2 and 2 more transcripts); short protein forms G728A.
Identifiers: ClinVar variation 3371419 (VCV003371419.1).

ClinVar aggregate classification (germline): Uncertain significance (1 of 4 stars; one submission).

gnomAD v4.1: 1 of 1,614,176 alleles (0.000062%); highest among the groups gnomAD compares: South Asian, 0.0011%; no homozygotes.

Submission:

GeneDx
Classification: Uncertain significance. Last evaluated: 2024-03-27. Review status: criteria provided, single submitter. Criteria: GeneDx Variant Classification Process June 2021. Collection method: clinical testing. Allele origin: germline. Affected: yes.
Comment: Has not been previously published as pathogenic or benign to our knowledge; Not observed at significant frequency in large population cohorts (gnomAD); In silico analysis supports that this missense variant has a deleterious effect on protein structure/function